The following is an entry in ClinVar:

ClinVar aggregate classification (germline): Uncertain significance. Review status: criteria provided, multiple submitters, no conflicts (2 of 4 stars). 4 submissions from 4 submitters: Uncertain significance (4). Last evaluated 2023-09-25.

Conditions:
Multiple endocrine neoplasia, type 2 (MEN2). Identifiers: Orphanet 653, MedGen C4048306, MONDO:0019003. Disease mechanism: gain of function.
Hereditary cancer-predisposing syndrome. Also called: Hereditary Cancer Syndrome; Hereditary neoplastic syndrome; Tumor predisposition; Neoplastic Syndromes, Hereditary. Identifiers: Orphanet 140162, MedGen C0027672, MeSH D009386, MONDO:0015356.
Familial medullary thyroid carcinoma (MTC). Also called: Thyroid cancer, familial medullary; MTC, familial; Familial Medullary Thyroid Carcinoma (FMTC). Identifiers: Orphanet 653, Orphanet 99361, MedGen C1833921, MONDO:0007958, OMIM 155240.

Submissions (4):

Ambry Genetics
Classification: Uncertain significance for Hereditary cancer-predisposing syndrome. Last evaluated: 2023-09-25. Review status: criteria provided, single submitter. Criteria: Ambry Variant Classification Scheme 2023. Collection method: clinical testing. Allele origin: germline.
Comment: The p.V648F variant (also known as c.1942G>T), located in coding exon 11 of the RET gene, results from a G to T substitution at nucleotide position 1942. The valine at codon 648 is replaced by phenylalanine, an amino acid with highly similar properties. This amino acid position is not well conserved in available vertebrate species. In addition, the in silico prediction for this alteration is inconclusive. Since supporting evidence is limited at this time, the clinical significance of this alteration remains unclear.

GeneDx
Classification: Uncertain significance. Last evaluated: 2022-10-20. Review status: criteria provided, single submitter. Criteria: GeneDx Variant Classification Process June 2021. Collection method: clinical testing. Allele origin: germline. Affected: yes.
Comment: Not observed at significant frequency in large population cohorts (gnomAD); In silico analysis supports that this missense variant does not alter protein structure/function; Has not been previously published as pathogenic or benign to our knowledge

Labcorp Genetics (formerly Invitae), Labcorp
Classification: Uncertain significance for Multiple endocrine neoplasia, type 2. Last evaluated: 2021-07-31. Review status: criteria provided, single submitter. Criteria: Invitae Variant Classification Sherloc (09022015). Collection method: clinical testing. Allele origin: germline.
Comment: This sequence change replaces valine with phenylalanine at codon 648 of the RET protein (p.Val648Phe). The valine residue is weakly conserved and there is a small physicochemical difference between valine and phenylalanine. This variant is not present in population databases (ExAC no frequency). In summary, the available evidence is currently insufficient to determine the role of this variant in disease. Therefore, it has been classified as a Variant of Uncertain Significance. Algorithms developed to predict the effect of missense changes on protein structure and function output the following: SIFT: "Deleterious"; PolyPhen-2: "Benign"; Align-GVGD: "Class C0". The phenylalanine amino acid residue is found in multiple mammalian species, which suggests that this missense change does not adversely affect protein function. ClinVar contains an entry for this variant (Variation ID: 997472). This variant has not been reported in the literature in individuals affected with RET-related conditions.

Baylor Genetics
Classification: Uncertain significance for Familial medullary thyroid carcinoma. Last evaluated: 2020-01-13. Review status: criteria provided, single submitter. Criteria: ACMG Guidelines, 2015. Collection method: clinical testing. Allele origin: maternal. Affected: yes. Study: CSER-TexasKidsCanSeq.
Comment: This variant was determined to be of uncertain significance according to ACMG Guidelines, 2015 [PMID:25741868].

NM_020975.6(RET):c.1942G>T (p.Val648Phe)

Gene: RET (ret proto-oncogene; plus strand). Cytogenetic location: 10q11.21.
Variant type: single nucleotide variant.
Coding change: c.1942G>T on transcript NM_020975.6 (MANE Select); coding-DNA position 1942, G replaced by T.
Protein change: p.Val648Phe; replaces valine 648 with phenylalanine.
Molecular consequence: missense variant.
Genome position (GRCh38, 1-based): chr10:43,114,542, G>T. VCF-style: chr10-43114542-G-T. GRCh37 (hg19) VCF-style: chr10-43609990-G-T.
Other names: c.952G>T, p.Val318Phe (NM_001406784.1); c.925G>T, p.Val309Phe (NM_001406785.1); c.916G>T, p.Val306Phe (NM_001406786.1, NM_001406783.1); c.757G>T, p.Val253Phe (NM_001406788.1, NM_001406789.1, NM_001406790.1); c.637G>T, p.Val213Phe (NM_001406791.1); c.493G>T, p.Val165Phe (NM_001406792.1, NM_001406793.1, NM_001406794.1); c.1942G>T, p.Val648Phe (NM_000323.2, NM_001406743.1, NM_001406744.1 and 4 more transcripts); c.1180G>T, p.Val394Phe (NM_001355216.2); and 7 more; short protein forms V394F, V648F, V318F, V406F, V165F, V306F, V309F, V502F.
Identifiers: ClinVar variation 997472 (VCV000997472.10), dbSNP rs77711105, ClinGen allele CA376552987.